The following is an entry in ClinVar:

NM_001111.5(ADAR):c.1687A>C (p.Met563Leu)

Gene: ADAR (adenosine deaminase RNA specific; minus strand). Cytogenetic location: 1q21.3.
Variant type: single nucleotide variant.
Coding change: c.1687A>C on transcript NM_001111.5 (MANE Select); coding-DNA position 1687, A replaced by C.
Protein change: p.Met563Leu; replaces methionine 563 with leucine.
Molecular consequence: missense variant.
Genome position (GRCh38, 1-based): chr1:154,598,500, T>G on the plus strand (A>C on the coding strand, the complement: ADAR is on the minus strand). VCF-style: chr1-154598500-T-G. GRCh37 (hg19) VCF-style: chr1-154570976-T-G.
Other names: c.802A>C, p.Met268Leu (NM_001025107.3, NM_001193495.2, NM_001365046.1 and 3 more transcripts); c.1714A>C, p.Met572Leu (NM_001365045.1); c.1687A>C, p.Met563Leu (NM_015840.4, NM_015841.4); short protein forms M268L, M563L, M572L.
Identifiers: ClinVar variation 2097550 (VCV002097550.4), dbSNP rs748929510, ClinGen allele CA342639562.

ClinVar aggregate classification (germline): Uncertain significance (1 of 4 stars; one submission).

Conditions:
Symmetrical dyschromatosis of extremities (DSH). Also called: DYSCHROMATOSIS SYMMETRICA HEREDITARIA 1; RETICULATE ACROPIGMENTATION OF DOHI; SYMMETRIC DYSCHROMATOSIS OF THE EXTREMITIES; Dyschromatosis symmetrica hereditaria. Identifiers: Orphanet 41, MedGen C0406775, MONDO:0007483, OMIM 127400.
Aicardi-Goutieres syndrome 6 (AGS6). Identifiers: Orphanet 51, MedGen C3539013, MONDO:0014007, OMIM 615010.

Submission:

Labcorp Genetics (formerly Invitae), Labcorp
Classification: Uncertain significance for Aicardi-Goutieres syndrome 6; Symmetrical dyschromatosis of extremities. Last evaluated: 2022-02-14. Review status: criteria provided, single submitter. Criteria: Invitae Variant Classification Sherloc (09022015). Collection method: clinical testing. Allele origin: germline.
Comment: This sequence change replaces methionine, which is neutral and non-polar, with leucine, which is neutral and non-polar, at codon 563 of the ADAR protein (p.Met563Leu). This variant is not present in population databases (gnomAD no frequency). This variant has not been reported in the literature in individuals affected with ADAR-related conditions. Algorithms developed to predict the effect of missense changes on protein structure and function output the following: SIFT: "Tolerated"; PolyPhen-2: "Benign"; Align-GVGD: "Class C0". The leucine amino acid residue is found in multiple mammalian species, which suggests that this missense change does not adversely affect protein function. In summary, the available evidence is currently insufficient to determine the role of this variant in disease. Therefore, it has been classified as a Variant of Uncertain Significance.